The following is an entry in ClinVar:

NM_001318852.2(MAPK8IP3):c.3394G>A (p.Val1132Ile)

Gene: MAPK8IP3 (mitogen-activated protein kinase 8 interacting protein 3; plus strand). Cytogenetic location: 16p13.3.
Variant type: single nucleotide variant.
Coding change: c.3394G>A on transcript NM_001318852.2 (MANE Select); coding-DNA position 3394, G replaced by A.
Protein change: p.Val1132Ile; replaces valine 1132 with isoleucine.
Molecular consequence: missense variant.
Genome position (GRCh38, 1-based): chr16:1,767,720, G>A. VCF-style: chr16-1767720-G-A. GRCh37 (hg19) VCF-style: chr16-1817721-G-A.
Other names: c.3391G>A (NM_015133.3); c.3373G>A, p.Val1125Ile (NM_001040439.2); c.3391G>A, p.Val1131Ile (NM_015133.5, NM_033392.3); short protein forms V1125I, V1131I, V1132I.
Identifiers: ClinVar variation 2433635 (VCV002433635.4), dbSNP rs758820793, ClinGen allele CA276721462.

ClinVar aggregate classification (germline): Uncertain significance. Review status: criteria provided, multiple submitters, no conflicts (2 of 4 stars). 2 submissions from 2 submitters: Uncertain significance (2). Last evaluated 2025-11-20.

Conditions:
Inborn genetic diseases. Identifiers: MedGen C0950123, MeSH D030342.
Neurodevelopmental disorder with or without variable brain abnormalities; NEDBA. Also called: NEURODEVELOPMENTAL DISORDER WITH OR WITHOUT VARIABLE BRAIN ABNORMALITIES. Identifiers: MedGen C5193102, MONDO:0032755, OMIM 618443.

Allele frequency attached by ClinVar (database versions not stated): gnomAD 0.00002; TOPMed 0.00002.
gnomAD v4.1: 8 of 1,612,590 alleles (0.0005%); highest among the groups gnomAD compares: African/African-American, 0.0053%; no homozygotes.

Submissions (2):

Ambry Genetics
Classification: Uncertain significance for Inborn genetic diseases. Last evaluated: 2025-11-20. Review status: criteria provided, single submitter. Criteria: Ambry Variant Classification Scheme 2023. Collection method: clinical testing. Allele origin: germline.
Comment: The c.3391G>A (p.V1131I) alteration is located in exon 27 (coding exon 27) of the MAPK8IP3 gene. This alteration results from a G to A substitution at nucleotide position 3391, causing the valine (V) at amino acid position 1131 to be replaced by an isoleucine (I). Based on data from gnomAD, the A allele has an overall frequency of 0.001% (3/278530) total alleles studied. The highest observed frequency was 0.008% (2/23956) of African alleles. Based on insufficient or conflicting evidence, the clinical significance of this alteration remains unclear.

Revvity Omics, Revvity
Classification: Uncertain significance for Neurodevelopmental disorder with or without variable brain abnormalities; NEDBA. Last evaluated: 2021-03-18. Review status: criteria provided, single submitter. Criteria: ACMG Guidelines, 2015. Collection method: clinical testing. Allele origin: germline.